The following is an entry in ClinVar:

ClinVar aggregate classification (germline): Uncertain significance (1 of 4 stars; one submission).

Conditions:
Dyskeratosis congenita, autosomal recessive 5 (DKCB5). Identifiers: MedGen C3554656, MONDO:0014076, OMIM 615190.
Pulmonary fibrosis and/or bone marrow failure, Telomere-related, 3. Also called: PULMONARY FIBROSIS AND/OR BONE MARROW FAILURE SYNDROME, TELOMERE-RELATED, 3. Identifiers: Orphanet 2032, MedGen C4225346, MONDO:0014613, OMIM 616373.

Submission:

Labcorp Genetics (formerly Invitae), Labcorp
Classification: Uncertain significance for Dyskeratosis congenita, autosomal recessive 5; Pulmonary fibrosis and/or bone marrow failure, Telomere-related, 3. Last evaluated: 2023-10-08. Review status: criteria provided, single submitter. Criteria: Invitae Variant Classification Sherloc (09022015). Collection method: clinical testing. Allele origin: germline.
Comment: This sequence change falls in intron 31 of the RTEL1 gene. It does not directly change the encoded amino acid sequence of the RTEL1 protein. It affects a nucleotide within the consensus splice site. This variant is not present in population databases (gnomAD no frequency). This variant has not been reported in the literature in individuals affected with RTEL1-related conditions. Variants that disrupt the consensus splice site are a relatively common cause of aberrant splicing (PMID: 17576681, 9536098). Algorithms developed to predict the effect of sequence changes on RNA splicing suggest that this variant may disrupt the consensus splice site. In summary, the available evidence is currently insufficient to determine the role of this variant in disease. Therefore, it has been classified as a Variant of Uncertain Significance.

Literature cited by the submitters: PubMed 17576681; PubMed 9536098.

NM_001283009.2(RTEL1):c.3109+5C>G

Genes: RTEL1 (regulator of telomere elongation helicase 1; plus strand), RTEL1-TNFRSF6B (RTEL1-TNFRSF6B readthrough (NMD candidate); plus strand). Cytogenetic location: 20q13.33.
Variant type: single nucleotide variant.
Coding change: c.3109+5C>G on transcript NM_001283009.2 (MANE Select); 5 bases into the intron after coding-DNA position 3109, C replaced by G.
Molecular consequence: intron variant.
Genome position (GRCh38, 1-based): chr20:63,694,493, C>G. VCF-style: chr20-63694493-C-G. GRCh37 (hg19) VCF-style: chr20-62325846-C-G.
Other names: c.2440+5C>G (NM_001283010.1); c.3181+5C>G (NM_032957.5); c.3109+5C>G (NM_016434.4).
Identifiers: ClinVar variation 2930115 (VCV002930115.3), dbSNP rs372267276, ClinGen allele CA2740094624.